The following is an entry in ClinVar:

ClinVar aggregate classification (germline): Likely benign (1 of 4 stars; one submission).

Submission:

CeGaT Center for Human Genetics Tuebingen
Classification: Likely benign. Last evaluated: 2026-07-01. Review status: criteria provided, single submitter. Criteria: CeGaT Center For Human Genetics Tuebingen Variant Classification Criteria Version 2. Collection method: clinical testing. Allele origin: germline. Affected: yes. Observed: 1 variant allele.
Comment: WBP11: PM2:Supporting, BP4, BP7

NM_016312.3(WBP11):c.1005T>G (p.Leu335=)

Gene: WBP11 (WW domain binding protein 11; minus strand). Cytogenetic location: 12p12.3.
Variant type: single nucleotide variant.
Coding change: c.1005T>G on transcript NM_016312.3 (MANE Select); coding-DNA position 1005, T replaced by G.
Protein change: p.Leu335=; no amino-acid change (leucine 335 retained).
Molecular consequence: synonymous variant.
Genome position (GRCh38, 1-based): chr12:14,791,179, A>C on the plus strand (T>G on the coding strand, the complement: WBP11 is on the minus strand). VCF-style: chr12-14791179-A-C. GRCh37 (hg19) VCF-style: chr12-14944113-A-C.
Identifiers: ClinVar variation 5040129 (VCV005040129.1).